The following is an entry in ClinVar:

NM_198253.3(TERT):c.1379del (p.Gln460fs)

Gene: TERT (telomerase reverse transcriptase; minus strand). Cytogenetic location: 5p15.33.
Variant type: Deletion.
Coding change: c.1379del on transcript NM_198253.3 (MANE Select); coding-DNA position 1379, one base deleted (A; older notation c.1379delA).
Protein change: p.Gln460fs; shifts the reading frame from glutamine 460.
Molecular consequence: frameshift variant. On other transcripts: non-coding transcript variant (2).
Genome position (GRCh38, 1-based): chr5:1,293,507, T deleted on the plus strand (A on the coding strand, the reverse complement: TERT is on the minus strand). VCF-style (leftmost placement, unchanged base first): chr5-1293506-CT-C. GRCh37 (hg19) VCF-style: chr5-1293621-CT-C.
Other names: c.1379del, p.Gln460fs (NM_001193376.3); c.1379delA, p.Gln460Argfs (NM_003219.1); short protein forms Q460fs.
Identifiers: ClinVar variation 2056248 (VCV002056248.4), dbSNP rs2478410604, ClinGen allele CA2580071975.

ClinVar aggregate classification (germline): Pathogenic (1 of 4 stars; one submission).

Conditions:
Dyskeratosis congenita, autosomal dominant 2. Identifiers: MedGen C3151443, MONDO:0013521, OMIM 613989.
Idiopathic Pulmonary Fibrosis. Also called: Idiopathic fibrosing alveolitis, chronic form; idiopathic fibrosing alveolitis. Identifiers: Orphanet 2032, MedGen C1800706, MeSH D054990, MONDO:0800504.

Submission:

Labcorp Genetics (formerly Invitae), Labcorp
Classification: Pathogenic for Dyskeratosis congenita, autosomal dominant 2; Idiopathic Pulmonary Fibrosis. Last evaluated: 2021-12-24. Review status: criteria provided, single submitter. Criteria: Invitae Variant Classification Sherloc (09022015). Collection method: clinical testing. Allele origin: germline.
Comment: For these reasons, this variant has been classified as Pathogenic. This variant has not been reported in the literature in individuals affected with TERT-related conditions. This sequence change creates a premature translational stop signal (p.Gln460Argfs*49) in the TERT gene. It is expected to result in an absent or disrupted protein product. Loss-of-function variants in TERT are known to be pathogenic (PMID: 16247010, 17460043). This variant is not present in population databases (gnomAD no frequency).

Literature cited by the submitters: PubMed 16247010; PubMed 17460043.